The following is an entry in ClinVar:

NM_001098.3(ACO2):c.944T>C (p.Ile315Thr)

Gene: ACO2 (aconitase 2; plus strand). Cytogenetic location: 22q13.2.
Variant type: single nucleotide variant.
Coding change: c.944T>C on transcript NM_001098.3 (MANE Select); coding-DNA position 944, T replaced by C.
Protein change: p.Ile315Thr; replaces isoleucine 315 with threonine.
Molecular consequence: missense variant.
Genome position (GRCh38, 1-based): chr22:41,518,484, T>C. VCF-style: chr22-41518484-T-C. GRCh37 (hg19) VCF-style: chr22-41914488-T-C.
Other names: short protein forms I315T.
Identifiers: ClinVar variation 2080783 (VCV002080783.4), dbSNP rs2146128452, ClinGen allele CA411722820.

ClinVar aggregate classification (germline): Uncertain significance (1 of 4 stars; one submission).

Allele frequency attached by ClinVar (database versions not stated): gnomAD exomes below 0.00001.
gnomAD v4.1: 1 of 1,612,940 alleles (0.000062%); highest among the groups gnomAD compares: Non-Finnish European, 0.000085%; no homozygotes.

Submission:

Labcorp Genetics (formerly Invitae), Labcorp
Classification: Uncertain significance. Last evaluated: 2022-01-12. Review status: criteria provided, single submitter. Criteria: Invitae Variant Classification Sherloc (09022015). Collection method: clinical testing. Allele origin: germline.
Comment: In summary, the available evidence is currently insufficient to determine the role of this variant in disease. Therefore, it has been classified as a Variant of Uncertain Significance. Advanced modeling of protein sequence and biophysical properties (such as structural, functional, and spatial information, amino acid conservation, physicochemical variation, residue mobility, and thermodynamic stability) performed at Invitae indicates that this missense variant is expected to disrupt ACO2 protein function. This variant has not been reported in the literature in individuals affected with ACO2-related conditions. This variant is not present in population databases (gnomAD no frequency). This sequence change replaces isoleucine, which is neutral and non-polar, with threonine, which is neutral and polar, at codon 315 of the ACO2 protein (p.Ile315Thr).